The following is an entry in ClinVar:

ClinVar aggregate classification (germline): Conflicting classifications of pathogenicity. Review status: criteria provided, conflicting classifications (1 of 4 stars). 2 submissions from 2 submitters: Uncertain significance (1); Likely benign (1). Last evaluated 2025-08-24.

Conditions:
Inborn genetic diseases. Identifiers: MedGen C0950123, MeSH D030342.

Allele frequency attached by ClinVar (database versions not stated): gnomAD 0.00001; gnomAD exomes 0.00001.
gnomAD v4.1: 4 of 1,613,712 alleles (0.00025%); highest among the groups gnomAD compares: East Asian, 0.0022%; no homozygotes.

Submissions (2):

Ambry Genetics
Classification: Likely benign for Inborn genetic diseases. Last evaluated: 2025-08-24. Review status: criteria provided, single submitter. Criteria: Ambry Variant Classification Scheme 2023. Collection method: clinical testing. Allele origin: germline.

Labcorp Genetics (formerly Invitae), Labcorp
Classification: Uncertain significance. Last evaluated: 2022-08-07. Review status: criteria provided, single submitter. Criteria: Invitae Variant Classification Sherloc (09022015). Collection method: clinical testing. Allele origin: germline.
Comment: In summary, the available evidence is currently insufficient to determine the role of this variant in disease. Therefore, it has been classified as a Variant of Uncertain Significance. Algorithms developed to predict the effect of missense changes on protein structure and function output the following: SIFT: "Tolerated"; PolyPhen-2: "Benign"; Align-GVGD: "Class C0". The arginine amino acid residue is found in multiple mammalian species, which suggests that this missense change does not adversely affect protein function. This variant has not been reported in the literature in individuals affected with TYRP1-related conditions. The frequency data for this variant in the population databases is considered unreliable, as metrics indicate poor data quality at this position in the gnomAD database. This sequence change replaces glutamine, which is neutral and polar, with arginine, which is basic and polar, at codon 78 of the TYRP1 protein (p.Gln78Arg).

NM_000550.3(TYRP1):c.233A>G (p.Gln78Arg)

Gene: TYRP1 (tyrosinase related protein 1; plus strand). Cytogenetic location: 9p23.
Variant type: single nucleotide variant.
Coding change: c.233A>G on transcript NM_000550.3 (MANE Select); coding-DNA position 233, A replaced by G.
Protein change: p.Gln78Arg; replaces glutamine 78 with arginine.
Molecular consequence: missense variant.
Genome position (GRCh38, 1-based): chr9:12,694,229, A>G. VCF-style: chr9-12694229-A-G. GRCh37 (hg19) VCF-style: chr9-12694229-A-G.
Other names: c.233A>G (NM_000550.2); short protein forms Q78R.
Identifiers: ClinVar variation 1943805 (VCV001943805.6), dbSNP rs1416541339, ClinGen allele CA372936589.